The following is an entry in ClinVar:

ClinVar aggregate classification (germline): Pathogenic. Review status: criteria provided, multiple submitters, no conflicts (2 of 4 stars). 3 submissions from 3 submitters: Pathogenic (2). 1 of the submissions does not count toward it. Last evaluated 2022-08-27.

Conditions:
Marfan syndrome (MFS). Also called: Marfan syndrome, classic; FBN1-Related Marfan Syndrome; Marfan syndrome type 1; Marfan's syndrome; MARFAN SYNDROME, TYPE I. Identifiers: Orphanet 284963, Orphanet 558, MedGen C0024796, MONDO:0007947, OMIM 154700.
Familial thoracic aortic aneurysm and aortic dissection (TAAD). Also called: Thoracic aortic aneurysms and dissections. Identifiers: Orphanet 91387, MedGen C4707243, MONDO:0019625.

Submissions (3):

Labcorp Genetics (formerly Invitae), Labcorp
Classification: Pathogenic for Marfan syndrome; Familial thoracic aortic aneurysm and aortic dissection. Last evaluated: 2022-08-27. Review status: criteria provided, single submitter. Criteria: Invitae Variant Classification Sherloc (09022015). Collection method: clinical testing. Allele origin: germline.
Comment: For these reasons, this variant has been classified as Pathogenic. This variant affects a cysteine residue in the EGF-like, TGFBP or hybrid motif domains of FBN1. Cysteine residues are believed to be involved in intramolecular disulfide bridges and have been shown to be important for FBN1 protein structure (PMID: 16905551, 19349279). In addition, missense substitutions affecting cysteine residues within these domains are significantly overrepresented among patients with Marfan syndrome (PMID: 16571647, 17701892). Experimental studies have shown that this missense change affects FBN1 function (PMID: 10486319). Advanced modeling of protein sequence and biophysical properties (such as structural, functional, and spatial information, amino acid conservation, physicochemical variation, residue mobility, and thermodynamic stability) performed at Invitae indicates that this missense variant is expected to disrupt FBN1 protein function. ClinVar contains an entry for this variant (Variation ID: 155791). This missense change has been observed in individuals with Marfan syndrome (PMID: 10486319, 18471089, 21542060, 21932315). This variant is not present in population databases (gnomAD no frequency). This sequence change replaces cysteine, which is neutral and slightly polar, with tyrosine, which is neutral and polar, at codon 499 of the FBN1 protein (p.Cys499Tyr).

Centre of Medical Genetics, University of Antwerp
Classification: Pathogenic for Marfan syndrome. Last evaluated: 2021-03-01. Review status: criteria provided, single submitter. Criteria: Submitter's publication. Collection method: research. Allele origin: unknown. Affected: yes.
Comment: PM2, PVS2, PP4

Center for Medical Genetics Ghent, University of Ghent
Classification: Likely pathogenic for Marfan syndrome. Last evaluated: 2017-11-07. Review status: no assertion criteria provided. Collection method: clinical testing. Allele origin: germline. Affected: yes. Not counted in ClinVar's aggregate classification.

Literature cited by the submitters: PubMed 16905551 (cited by Labcorp Genetics (formerly Invitae), Labcorp); PubMed 19349279 (cited by Labcorp Genetics (formerly Invitae), Labcorp); PubMed 16571647 (cited by Labcorp Genetics (formerly Invitae), Labcorp); PubMed 17701892 (cited by Labcorp Genetics (formerly Invitae), Labcorp); PubMed 10486319 (cited by Labcorp Genetics (formerly Invitae), Labcorp); PubMed 18471089 (cited by Labcorp Genetics (formerly Invitae), Labcorp); PubMed 21542060 (cited by Labcorp Genetics (formerly Invitae), Labcorp); PubMed 21932315 (cited by Labcorp Genetics (formerly Invitae), Labcorp).

NM_000138.5(FBN1):c.1496G>A (p.Cys499Tyr)

Gene: FBN1 (fibrillin 1; minus strand). Cytogenetic location: 15q21.1.
Variant type: single nucleotide variant.
Coding change: c.1496G>A on transcript NM_000138.5 (MANE Select); coding-DNA position 1496, G replaced by A.
Protein change: p.Cys499Tyr; replaces cysteine 499 with tyrosine.
Molecular consequence: missense variant.
Genome position (GRCh38, 1-based): chr15:48,513,641, C>T on the plus strand (G>A on the coding strand, the complement: FBN1 is on the minus strand). VCF-style: chr15-48513641-C-T. GRCh37 (hg19) VCF-style: chr15-48805838-C-T.
Other names: short protein forms C499Y.
Identifiers: ClinVar variation 155791 (VCV000155791.27), dbSNP rs587782944, ClinGen allele CA012213.
Genomic context (GRCh38, chr15:48,513,641, plus strand): 5'-TATCCAGCTCGGCACTGACAGGTGTACGAACCCTGGTTGTTAATACACTCACCACCAGCA[C>T]AGGGGTTTTTCTCACATTCATCAACATCTGCAAAGCACAATGTATTTTAGTGCAAAATTA-3'
Protein context (NP_000129.3, residues 489-509): IDVDECEKNP[Cys499Tyr]AGGECINNQG